The following is an entry in ClinVar:

ClinVar aggregate classification (germline): Pathogenic (1 of 4 stars; one submission).

Conditions:
Familial cancer of breast. Also called: hereditary breast carcinoma; BREAST CANCER, FAMILIAL; Hereditary breast cancer. Identifiers: Orphanet 227535, MedGen C0346153, MONDO:0016419, OMIM 114480. Disease mechanism: loss of function.

Submission:

Myriad Genetics, Inc.
Classification: Pathogenic for Familial cancer of breast. Last evaluated: 2024-01-30. Review status: criteria provided, single submitter. Criteria: Myriad Autosomal Dominant, Autosomal Recessive and X-Linked Classification Criteria (2023). Collection method: clinical testing. Allele origin: unknown.
Comment: This variant is considered pathogenic. This variant creates a frameshift predicted to result in premature protein truncation.

NM_000051.4(ATM):c.7076_7085del (p.Thr2359fs)

Genes: ATM (ATM serine/threonine kinase; plus strand), C11orf65 (chromosome 11 open reading frame 65; minus strand). Cytogenetic location: 11q22.3.
Variant type: Deletion.
Coding change: c.7076_7085del on transcript NM_000051.4 (MANE Select); coding-DNA positions 7076 to 7085, 10 bases deleted (CCTATCTAGA; older notation c.7076_7085delCCTATCTAGA).
Protein change: p.Thr2359fs; shifts the reading frame from threonine 2359.
Molecular consequence: frameshift variant. On other transcripts: intron variant (2).
Genome position (GRCh38, 1-based): chr11:108,327,745-108,327,754, CCTATCTAGA deleted; deleting any 10 consecutive bases within chr11:108,327,742-108,327,754 gives the same sequence; the c. name uses the placement nearest the transcript's 3' end. VCF-style (leftmost placement, unchanged base first): chr11-108327741-CAGACCTATCT-C. GRCh37 (hg19) VCF-style: chr11-108198468-CAGACCTATCT-C.
Other names: c.7076_7085del, p.Thr2359fs (NM_001351834.2); c.641-18680_641-18671del (NM_001330368.2); c.*38+7469_*38+7478del (NM_001351110.2); short protein forms T2359fs.
Identifiers: ClinVar variation 3148451 (VCV003148451.1), dbSNP rs2547233867, ClinGen allele CA2825001944.